The following is an entry in ClinVar:

NM_173560.4(RFX6):c.2497C>T (p.Pro833Ser)

Gene: RFX6 (regulatory factor X6; plus strand). Cytogenetic location: 6q22.1.
Variant type: single nucleotide variant.
Coding change: c.2497C>T on transcript NM_173560.4 (MANE Select); coding-DNA position 2497, C replaced by T.
Protein change: p.Pro833Ser; replaces proline 833 with serine.
Molecular consequence: missense variant.
Genome position (GRCh38, 1-based): chr6:116,928,857, C>T. VCF-style: chr6-116928857-C-T. GRCh37 (hg19) VCF-style: chr6-117250020-C-T.
Other names: short protein forms P833S.
Identifiers: ClinVar variation 2008124 (VCV002008124.4), dbSNP rs1156588510, ClinGen allele CA365437009.

ClinVar aggregate classification (germline): Uncertain significance (1 of 4 stars; one submission).

gnomAD v4.1: 1 of 1,612,390 alleles (0.000062%); highest among the groups gnomAD compares: Non-Finnish European, 0.000085%; no homozygotes.

Submission:

Labcorp Genetics (formerly Invitae), Labcorp
Classification: Uncertain significance. Last evaluated: 2024-10-29. Review status: criteria provided, single submitter. Criteria: Invitae Variant Classification Sherloc (09022015). Collection method: clinical testing. Allele origin: germline.
Comment: This sequence change replaces proline, which is neutral and non-polar, with serine, which is neutral and polar, at codon 833 of the RFX6 protein (p.Pro833Ser). This variant is not present in population databases (gnomAD no frequency). This variant has not been reported in the literature in individuals affected with RFX6-related conditions. ClinVar contains an entry for this variant (Variation ID: 2008124). An algorithm developed to predict the effect of missense changes on protein structure and function outputs the following: PolyPhen-2: "Benign". The serine amino acid residue is found in multiple mammalian species, which suggests that this missense change does not adversely affect protein function. In summary, the available evidence is currently insufficient to determine the role of this variant in disease. Therefore, it has been classified as a Variant of Uncertain Significance.